The following is an entry in ClinVar:

NM_031885.5(BBS2):c.1666A>G (p.Ile556Val)

Gene: BBS2 (Bardet-Biedl syndrome 2; minus strand). Cytogenetic location: 16q13.
Variant type: single nucleotide variant.
Coding change: c.1666A>G on transcript NM_031885.5 (MANE Select); coding-DNA position 1666, A replaced by G.
Protein change: p.Ile556Val; replaces isoleucine 556 with valine.
Molecular consequence: missense variant. On other transcripts: non-coding transcript variant (5).
Genome position (GRCh38, 1-based): chr16:56,497,874, T>C on the plus strand (A>G on the coding strand, the complement: BBS2 is on the minus strand). VCF-style: chr16-56497874-T-C. GRCh37 (hg19) VCF-style: chr16-56531786-T-C.
Other names: c.1666A>G, p.Ile556Val (NM_001377456.1); short protein forms I556V.
Identifiers: ClinVar variation 852306 (VCV000852306.11), dbSNP rs376380339, ClinGen allele CA8065644.

ClinVar aggregate classification (germline): Conflicting classifications of pathogenicity. Review status: criteria provided, conflicting classifications (1 of 4 stars). 6 submissions from 6 submitters: Uncertain significance (3); Likely benign (2). 1 of the submissions does not count toward it. Last evaluated 2026-07-20.

Conditions:
Retinitis pigmentosa 74 (RP74). Identifiers: Orphanet 791, MedGen C4225281, MONDO:0014692, OMIM 616562.
Bardet-Biedl syndrome 2 (BBS2). Identifiers: Orphanet 110, MedGen C2936863, MONDO:0014432, OMIM 615981.
Inborn genetic diseases. Identifiers: MedGen C0950123, MeSH D030342.
BBS2-related disorder. Also called: BBS2-related condition; BBS2-related disorders. Identifiers: MedGen CN239228.
Bardet-Biedl syndrome (BBS). Identifiers: Orphanet 110, MedGen C0752166, MONDO:0015229.

Allele frequency attached by ClinVar (database versions not stated): gnomAD exomes 0.00002 and 0.00004; ExAC 0.00003; gnomAD 0.00004; TOPMed 0.00004; ESP Exome Variant Server 0.00008.
gnomAD v4.1: 77 of 1,610,204 alleles (0.0048%); highest among the groups gnomAD compares: East Asian, 0.025%; 1 homozygote.

Submissions (7):

PreventionGenetics, part of Exact Sciences
Classification: Uncertain significance for BBS2-related condition. Last evaluated: 2026-07-20. Review status: criteria provided, single submitter. Criteria: ACMG Guidelines, 2015. Collection method: clinical testing. Allele origin: germline.
Comment: The BBS2 c.1666A>G variant is predicted to result in the amino acid substitution p.Ile556Val. To our knowledge, this variant has not been reported in the literature. This variant is reported in 0.025% of alleles in individuals of East Asian descent in gnomAD. At this time, the clinical significance of this variant is uncertain due to the absence of conclusive functional and genetic evidence.

Blueprint Genetics
Classification: Uncertain significance. Last evaluated: 2024-11-06. Review status: criteria provided, single submitter. Criteria: ACMG Guidelines, 2015. Collection method: clinical testing. Allele origin: germline.

Fulgent Genetics
Classification: Likely benign for Bardet-Biedl syndrome 2; Retinitis pigmentosa 74. Last evaluated: 2024-03-08. Review status: criteria provided, single submitter. Criteria: ACMG Guidelines, 2015. Collection method: clinical testing. Allele origin: germline.

Ambry Genetics
Classification: Likely benign for Inborn genetic diseases. Last evaluated: 2023-02-07. Review status: criteria provided, single submitter. Criteria: Ambry Variant Classification Scheme 2023. Collection method: clinical testing. Allele origin: germline.

Labcorp Genetics (formerly Invitae), Labcorp
Classification: Uncertain significance for Bardet-Biedl syndrome. Last evaluated: 2022-09-06. Review status: criteria provided, single submitter. Criteria: Invitae Variant Classification Sherloc (09022015). Collection method: clinical testing. Allele origin: germline.
Comment: This sequence change replaces isoleucine, which is neutral and non-polar, with valine, which is neutral and non-polar, at codon 556 of the BBS2 protein (p.Ile556Val). This variant is present in population databases (rs376380339, gnomAD 0.03%). This variant has not been reported in the literature in individuals affected with BBS2-related conditions. ClinVar contains an entry for this variant (Variation ID: 852306). Algorithms developed to predict the effect of missense changes on protein structure and function output the following: SIFT: "Tolerated"; PolyPhen-2: "Benign"; Align-GVGD: "Class C0". The valine amino acid residue is found in multiple mammalian species, which suggests that this missense change does not adversely affect protein function. Algorithms developed to predict the effect of sequence changes on RNA splicing suggest that this variant may create or strengthen a splice site. In summary, the available evidence is currently insufficient to determine the role of this variant in disease. Therefore, it has been classified as a Variant of Uncertain Significance.

Natera, Inc.
Classification: Uncertain significance for Bardet-Biedl syndrome type 2. Last evaluated: 2020-01-24. Review status: no assertion criteria provided. Collection method: clinical testing. Allele origin: germline. Not counted in ClinVar's aggregate classification.

Dr. Peter K. Rogan Lab, Western University
No classification provided (evidence only). Condition: Cervical cancer. Review status: no classification provided. Collection method: in vitro. Allele origin: not applicable. Functional consequence: skipped exon. Not counted in ClinVar's aggregate classification.